The following is an entry in ClinVar:

ClinVar aggregate classification (germline): Uncertain significance. Review status: criteria provided, multiple submitters, no conflicts (2 of 4 stars). 2 submissions from 2 submitters: Uncertain significance (2). Last evaluated 2025-12-15.

Conditions:
Developmental and epileptic encephalopathy, 30 (DEE30). Also called: Epileptic encephalopathy, early infantile, 30. Identifiers: MedGen C4225360, MONDO:0014595, OMIM 616341.
Inborn genetic diseases. Identifiers: MedGen C0950123, MeSH D030342.

Allele frequency attached by ClinVar (database versions not stated): gnomAD exomes 0.00001.

Submissions (2):

Labcorp Genetics (formerly Invitae), Labcorp
Classification: Uncertain significance for Developmental and epileptic encephalopathy, 30. Last evaluated: 2025-12-15. Review status: criteria provided, single submitter. Criteria: Invitae Variant Classification Sherloc (09022015). Collection method: clinical testing. Allele origin: germline.
Comment: This sequence change replaces alanine, which is neutral and non-polar, with glycine, which is neutral and non-polar, at codon 475 of the SIK1 protein (p.Ala475Gly). This variant is present in population databases (no rsID available, gnomAD 0.005%). This variant has not been reported in the literature in individuals affected with SIK1-related conditions. ClinVar contains an entry for this variant (Variation ID: 852554). Invitae Evidence Modeling of protein sequence and biophysical properties (such as structural, functional, and spatial information, amino acid conservation, physicochemical variation, residue mobility, and thermodynamic stability) indicates that this missense variant is not expected to disrupt SIK1 protein function with a negative predictive value of 95%. In summary, the available evidence is currently insufficient to determine the role of this variant in disease. Therefore, it has been classified as a Variant of Uncertain Significance.

Ambry Genetics
Classification: Uncertain significance for Inborn genetic diseases. Last evaluated: 2025-06-12. Review status: criteria provided, single submitter. Criteria: Ambry Variant Classification Scheme 2023. Collection method: clinical testing. Allele origin: germline.

NM_173354.5(SIK1):c.1424C>G (p.Ala475Gly)

Gene: SIK1 (salt inducible kinase 1; minus strand). Cytogenetic location: 21q22.3.
Variant type: single nucleotide variant.
Coding change: c.1424C>G on transcript NM_173354.5 (MANE Select); coding-DNA position 1424, C replaced by G.
Protein change: p.Ala475Gly; replaces alanine 475 with glycine.
Molecular consequence: missense variant.
Genome position (GRCh38, 1-based): chr21:43,419,059, G>C on the plus strand (C>G on the coding strand, the complement: SIK1 is on the minus strand). VCF-style: chr21-43419059-G-C. GRCh37 (hg19) VCF-style: chr21-44838939-G-C.
Other names: short protein forms A475G.
Identifiers: ClinVar variation 852554 (VCV000852554.11), dbSNP rs1163668338, ClinGen allele CA410608033.